The following is an entry in ClinVar:

NM_015404.4(WHRN):c.1677C>T (p.Asn559=)

Gene: WHRN (whirlin; minus strand). Cytogenetic location: 9q32.
Variant type: single nucleotide variant.
Coding change: c.1677C>T on transcript NM_015404.4 (MANE Select); coding-DNA position 1677, C replaced by T.
Protein change: p.Asn559=; no amino-acid change (asparagine 559 retained).
Molecular consequence: synonymous variant.
Genome position (GRCh38, 1-based): chr9:114,407,968, G>A on the plus strand (C>T on the coding strand, the complement: WHRN is on the minus strand). VCF-style: chr9-114407968-G-A. GRCh37 (hg19) VCF-style: chr9-117170248-G-A.
Other names: c.528C>T, p.Asn176= (NM_001083885.3); c.1677C>T, p.Asn559= (NM_001173425.2); c.624C>T, p.Asn208= (NM_001346890.1).
Identifiers: ClinVar variation 666783 (VCV000666783.14), dbSNP rs138127153, ClinGen allele CA5205855.

ClinVar aggregate classification (germline): Benign/Likely benign. Review status: criteria provided, multiple submitters, no conflicts (2 of 4 stars). 4 submissions from 4 submitters: Benign (1); Likely benign (3). Last evaluated 2026-06-01.

Allele frequency attached by ClinVar (database versions not stated): gnomAD 0.00005 and 0.00007; ESP Exome Variant Server 0.00008; TOPMed 0.00008; gnomAD exomes 0.00021; ExAC 0.00039.
gnomAD v4.1: 127 of 1,603,368 alleles (0.0079%); highest among the groups gnomAD compares: South Asian, 0.071%; no homozygotes.

Submissions (4):

CeGaT Center for Human Genetics Tuebingen
Classification: Likely benign. Last evaluated: 2026-06-01. Review status: criteria provided, single submitter. Criteria: CeGaT Center For Human Genetics Tuebingen Variant Classification Criteria Version 2. Collection method: clinical testing. Allele origin: germline. Affected: yes. Observed: 1 variant allele.
Comment: WHRN: BP4, BP7

Labcorp Genetics (formerly Invitae), Labcorp
Classification: Benign. Last evaluated: 2025-12-06. Review status: criteria provided, single submitter. Criteria: Invitae Variant Classification Sherloc (09022015). Collection method: clinical testing. Allele origin: germline.

Blueprint Genetics
Classification: Likely benign. Last evaluated: 2024-04-29. Review status: criteria provided, single submitter. Criteria: ACMG Guidelines, 2015. Collection method: clinical testing. Allele origin: germline.

Laboratory for Molecular Medicine, Mass General Brigham Personalized Medicine
Classification: Likely benign. Last evaluated: 2012-04-30. Review status: criteria provided, single submitter. Criteria: LMM Criteria. Collection method: clinical testing. Allele origin: germline. Observed: 1 variant allele.
Comment: Asn559Asn in Exon 08 of DFNB31: This variant is not expected to have clinical si gnificance because it does not alter an amino acid residue, is not located withi n the splice consensus sequence, and has been identified in 1/3736 African Ameri can chromosomes from a broad population by the NHLBI Exome Sequencing Project (dbSNP rs138127153).